The following is an entry in ClinVar:

ClinVar aggregate classification (germline): Uncertain significance (1 of 4 stars; one submission).

Conditions:
Autosomal dominant hypocalcemia 1 (HYPOC1). Also called: HYPOCALCEMIA, FAMILIAL. Identifiers: MedGen C3715128, MONDO:0011013, OMIM 601198.
Familial hypocalciuric hypercalcemia (FHH). Also called: Familial benign hypercalcemia. Identifiers: Orphanet 405, MedGen C1809471, MONDO:0018458.

Submission:

Labcorp Genetics (formerly Invitae), Labcorp
Classification: Uncertain significance for Familial hypocalciuric hypercalcemia; Autosomal dominant hypocalcemia 1. Last evaluated: 2024-02-15. Review status: criteria provided, single submitter. Criteria: Invitae Variant Classification Sherloc (09022015). Collection method: clinical testing. Allele origin: germline.
Comment: This sequence change replaces serine, which is neutral and polar, with tyrosine, which is neutral and polar, at codon 182 of the CASR protein (p.Ser182Tyr). This variant is not present in population databases (gnomAD no frequency). This variant has not been reported in the literature in individuals affected with CASR-related conditions. An algorithm developed to predict the effect of missense changes on protein structure and function (PolyPhen-2) suggests that this variant is likely to be disruptive. In summary, the available evidence is currently insufficient to determine the role of this variant in disease. Therefore, it has been classified as a Variant of Uncertain Significance.

NM_000388.4(CASR):c.545C>A (p.Ser182Tyr)

Gene: CASR (calcium sensing receptor; plus strand). Cytogenetic location: 3q21.1.
Variant type: single nucleotide variant.
Coding change: c.545C>A on transcript NM_000388.4 (MANE Select); coding-DNA position 545, C replaced by A.
Protein change: p.Ser182Tyr; replaces serine 182 with tyrosine.
Molecular consequence: missense variant.
Genome position (GRCh38, 1-based): chr3:122,261,580, C>A. VCF-style: chr3-122261580-C-A. GRCh37 (hg19) VCF-style: chr3-121980427-C-A.
Other names: c.545C>A, p.Ser182Tyr (NM_001178065.2); short protein forms S182Y.
Identifiers: ClinVar variation 3754689 (VCV003754689.2).